The following is an entry in ClinVar:

ClinVar aggregate classification (germline): Likely benign (1 of 4 stars; one submission).

Conditions:
Adenosine kinase deficiency. Also called: Hypermethioninemia due to adenosine kinase deficiency; MENTAL RETARDATION, AUTOSOMAL RECESSIVE 8. Identifiers: Orphanet 289290, Orphanet 88616, MedGen C4706555, MONDO:0100255, OMIM 614300.

Allele frequency attached by ClinVar (database versions not stated): 1000 Genomes Project 0.00120; 1000 Genomes Project 30x 0.00125; gnomAD exomes 0.00178; gnomAD 0.00206 and 0.00210; TOPMed 0.00240.
gnomAD v4.1: 459 of 230,838 alleles (0.2%); highest among the groups gnomAD compares: Middle Eastern, 0.56%; 1 homozygote.

Submission:

Illumina Laboratory Services, Illumina
Classification: Likely benign for Adenosine kinase deficiency. Last evaluated: 2018-01-13. Review status: criteria provided, single submitter. Criteria: ICSL Variant Classification Criteria 13 December 2019. Collection method: clinical testing. Allele origin: germline.
Comment: This variant was observed in the ICSL laboratory as part of a predisposition screen in an ostensibly healthy population. It had not been previously curated by ICSL or reported in the Human Gene Mutation Database (HGMD: prior to June 1st, 2018), and was therefore a candidate for classification through an automated scoring system. Utilizing variant allele frequency, disease prevalence and penetrance estimates, and inheritance mode, an automated score was calculated to assess if this variant is too frequent to cause the disease. Based on the score and internal cut-off values, a variant classified as likely benign is not then subjected to further curation. The score for this variant resulted in a classification of likely benign for this disease.

NM_006721.4(ADK):c.*375A>G

Gene: ADK (adenosine kinase; plus strand). Cytogenetic location: 10q22.2.
Variant type: single nucleotide variant.
Coding change: c.*375A>G on transcript NM_006721.4 (MANE Select); 375 bases downstream of the stop codon, A replaced by G.
Molecular consequence: 3 prime UTR variant.
Genome position (GRCh38, 1-based): chr10:74,708,820, A>G. VCF-style: chr10-74708820-A-G. GRCh37 (hg19) VCF-style: chr10-76468578-A-G.
Other names: c.*375A>G (NM_001123.4, NM_001202449.2, NM_001202450.2 and 1 more transcripts); c.*464A>G (NM_001369123.1).
Identifiers: ClinVar variation 300846 (VCV000300846.5), dbSNP rs185021662, ClinGen allele CA10636390.
Genomic context (GRCh38, chr10:74,708,820, plus strand): 5'-ATTTGTTTTTTTACATTTCTGCTTTGAATGCAGATGCAATTTAATATAATAGATTTTTTA[A>G]TGAATTAATCTTAACATAGTAATCTTTAGCTTTTTATACAAATATATTTAATTTAGGAGT-3'